The following is an entry in ClinVar:

ClinVar aggregate classification (germline): Uncertain significance. Review status: criteria provided, single submitter (1 of 4 stars). 2 submissions from 2 submitters: Uncertain significance (1). 1 of the submissions does not count toward it. Last evaluated 2021-08-24.

Conditions:
Meckel-Gruber syndrome. Also called: Dysencephalia splachnocystica; DYSENCEPHALIA SPLANCHNOCYSTICA; GRUBER SYNDROME. Identifiers: Orphanet 564, MedGen C0265215, MONDO:0018921.
Joubert syndrome. Also called: Familial aplasia of the vermis; CEREBELLOPARENCHYMAL DISORDER IV; JOUBERT-BOLTSHAUSER SYNDROME. Identifiers: Orphanet 475, MedGen C5979921, MONDO:0018772.

Allele frequency attached by ClinVar (database versions not stated): gnomAD exomes 0.00001.
gnomAD v4.1: 6 of 1,614,130 alleles (0.00037%); highest among the groups gnomAD compares: Non-Finnish European, 0.00051%; no homozygotes.

Submissions (2):

Labcorp Genetics (formerly Invitae), Labcorp
Classification: Uncertain significance for Joubert syndrome; Meckel-Gruber syndrome. Last evaluated: 2021-08-24. Review status: criteria provided, single submitter. Criteria: Invitae Variant Classification Sherloc (09022015). Collection method: clinical testing. Allele origin: germline.
Comment: This sequence change replaces asparagine with serine at codon 1276 of the RPGRIP1L protein (p.Asn1276Ser). The asparagine residue is weakly conserved and there is a small physicochemical difference between asparagine and serine. This variant is not present in population databases (ExAC no frequency). This variant has not been reported in the literature in individuals affected with RPGRIP1L-related conditions. Algorithms developed to predict the effect of missense changes on protein structure and function output the following: SIFT: "Tolerated"; PolyPhen-2: "Benign"; Align-GVGD: "Class C0". The serine amino acid residue is found in multiple mammalian species, which suggests that this missense change does not adversely affect protein function. In summary, the available evidence is currently insufficient to determine the role of this variant in disease. Therefore, it has been classified as a Variant of Uncertain Significance.

Natera, Inc.
Classification: Uncertain significance for Joubert syndrome. Last evaluated: 2020-06-05. Review status: no assertion criteria provided. Collection method: clinical testing. Allele origin: germline. Not counted in ClinVar's aggregate classification.

NM_015272.5(RPGRIP1L):c.3827A>G (p.Asn1276Ser)

Gene: RPGRIP1L (RPGRIP1 like; minus strand). Cytogenetic location: 16q12.2.
Variant type: single nucleotide variant.
Coding change: c.3827A>G on transcript NM_015272.5 (MANE Select); coding-DNA position 3827, A replaced by G.
Protein change: p.Asn1276Ser; replaces asparagine 1276 with serine.
Molecular consequence: missense variant.
Genome position (GRCh38, 1-based): chr16:53,605,489, T>C on the plus strand (A>G on the coding strand, the complement: RPGRIP1L is on the minus strand). VCF-style: chr16-53605489-T-C. GRCh37 (hg19) VCF-style: chr16-53639401-T-C.
Other names: c.3587A>G, p.Asn1196Ser (NM_001127897.4); c.3689A>G, p.Asn1230Ser (NM_001308334.3); c.3725A>G, p.Asn1242Ser (NM_001330538.2); short protein forms N1242S, N1276S, N1196S, N1230S.
Identifiers: ClinVar variation 969563 (VCV000969563.8), dbSNP rs1963622750, ClinGen allele CA395920948.